The following is an entry in ClinVar:

NM_001190467.2(PRR36):c.2226G>A (p.Pro742=)

Gene: PRR36 (proline rich 36; minus strand). Cytogenetic location: 19p13.2.
Variant type: single nucleotide variant.
Coding change: c.2226G>A on transcript NM_001190467.2 (MANE Select); coding-DNA position 2226, G replaced by A.
Protein change: p.Pro742=; no amino-acid change (proline 742 retained).
Molecular consequence: synonymous variant.
Genome position (GRCh38, 1-based): chr19:7,871,018, C>T on the plus strand (G>A on the coding strand, the complement: PRR36 is on the minus strand). VCF-style: chr19-7871018-C-T. GRCh37 (hg19) VCF-style: chr19-7935904-C-T.
Identifiers: ClinVar variation 2649182 (VCV002649182.24), dbSNP rs75023815, ClinGen allele CA304926751.

ClinVar aggregate classification (germline): Likely benign (1 of 4 stars; one submission).

Allele frequency attached by ClinVar (database versions not stated): 1000 Genomes Project 0.00419.

Submission:

CeGaT Center for Human Genetics Tuebingen
Classification: Likely benign. Last evaluated: 2026-05-01. Review status: criteria provided, single submitter. Criteria: CeGaT Center For Human Genetics Tuebingen Variant Classification Criteria Version 2. Collection method: clinical testing. Allele origin: germline. Affected: yes. Observed: 7 variant alleles.
Comment: PRR36: BP4, BP7